The following is an entry in ClinVar:

ClinVar aggregate classification (germline): Uncertain significance (1 of 4 stars; one submission).

Submission:

Women's Health and Genetics/Laboratory Corporation of America, LabCorp
Classification: Uncertain significance. Last evaluated: 2025-11-11. Review status: criteria provided, single submitter. Criteria: LabCorp Variant Classification Summary - May 2015. Collection method: clinical testing. Allele origin: germline.
Comment: Variant summary: RPS26 c.-18C>T is located in the untranslated mRNA region upstream of the initiation codon. The variant allele was found at a frequency of 4e-06 in 251326 control chromosomes. The available data on variant occurrences in the general population are insufficient to allow any conclusion about variant significance. To our knowledge, no occurrence of c.-18C>T in individuals affected with RPS26-related conditions and no experimental evidence demonstrating its impact on protein function have been reported. No submitters have cited clinical-significance assessments for this variant to ClinVar. Based on the evidence outlined above, the variant was classified as uncertain significance.

NM_001029.5(RPS26):c.-18C>T

Gene: RPS26 (ribosomal protein S26; plus strand). Cytogenetic location: 12q13.2.
Variant type: single nucleotide variant.
Coding change: c.-18C>T on transcript NM_001029.5 (MANE Select); 18 bases upstream of the start codon, C replaced by T.
Molecular consequence: 5 prime UTR variant.
Genome position (GRCh38, 1-based): chr12:56,042,149, C>T. VCF-style: chr12-56042149-C-T. GRCh37 (hg19) VCF-style: chr12-56435933-C-T.
Identifiers: ClinVar variation 4536844 (VCV004536844.1).